The following is an entry in ClinVar:

ClinVar aggregate classification (germline): Conflicting classifications of pathogenicity. Review status: criteria provided, conflicting classifications (1 of 4 stars). 6 submissions from 6 submitters: Uncertain significance (3); Likely benign (2). 1 of the submissions does not count toward it. Last evaluated 2025-06-01.

Conditions:
LPIN2-related disorder. Also called: LPIN2-related condition.
Majeed syndrome (MJDS). Also called: CHRONIC RECURRENT MULTIFOCAL OSTEOMYELITIS 1, WITH CONGENITAL DYSERYTHROPOIETIC ANEMIA, WITH OR WITHOUT NEUTROPHILIC DERMATOSIS; LPIN2-Related Majeed Syndrome. Identifiers: Orphanet 77297, MedGen C1864997, MONDO:0012316, OMIM 609628.
Autoinflammatory syndrome. Identifiers: Orphanet 93665, MedGen C3890737, MONDO:0019751.

Allele frequency attached by ClinVar (database versions not stated): gnomAD exomes 0.00013; 1000 Genomes Project 0.00040; TOPMed 0.00041; ESP Exome Variant Server 0.00046; 1000 Genomes Project 30x 0.00047; gnomAD 0.00048.
gnomAD v4.1: 268 of 1,614,138 alleles (0.017%); highest among the groups gnomAD compares: African/African-American, 0.16%; 1 homozygote.

Submissions (6):

CeGaT Center for Human Genetics Tuebingen
Classification: Likely benign. Last evaluated: 2025-06-01. Review status: criteria provided, single submitter. Criteria: CeGaT Center For Human Genetics Tuebingen Variant Classification Criteria Version 2. Collection method: clinical testing. Allele origin: germline. Affected: yes. Observed: 1 variant allele.
Comment: LPIN2: BP4

Revvity Omics, Revvity
Classification: Uncertain significance for Majeed syndrome. Last evaluated: 2025-01-14. Review status: criteria provided, single submitter. Criteria: ACMG Guidelines, 2015. Collection method: clinical testing. Allele origin: germline.

Labcorp Genetics (formerly Invitae), Labcorp
Classification: Uncertain significance for Majeed syndrome. Last evaluated: 2024-12-02. Review status: criteria provided, single submitter. Criteria: Invitae Variant Classification Sherloc (09022015). Collection method: clinical testing. Allele origin: germline.
Comment: This sequence change replaces alanine, which is neutral and non-polar, with threonine, which is neutral and polar, at codon 173 of the LPIN2 protein (p.Ala173Thr). This variant is present in population databases (rs140609636, gnomAD 0.1%). This variant has not been reported in the literature in individuals affected with LPIN2-related conditions. ClinVar contains an entry for this variant (Variation ID: 536355). Invitae Evidence Modeling of protein sequence and biophysical properties (such as structural, functional, and spatial information, amino acid conservation, physicochemical variation, residue mobility, and thermodynamic stability) indicates that this missense variant is not expected to disrupt LPIN2 protein function with a negative predictive value of 80%. In summary, the available evidence is currently insufficient to determine the role of this variant in disease. Therefore, it has been classified as a Variant of Uncertain Significance.

Blueprint Genetics
Classification: Likely benign. Last evaluated: 2024-07-05. Review status: criteria provided, single submitter. Criteria: ACMG Guidelines, 2015. Collection method: clinical testing. Allele origin: germline.

Genome Diagnostics Laboratory, The Hospital for Sick Children
Classification: Uncertain significance for Autoinflammatory syndrome. Last evaluated: 2016-12-12. Review status: criteria provided, single submitter. Criteria: ACMG Guidelines, 2015. Collection method: clinical testing. Allele origin: germline. Affected: yes.

PreventionGenetics, part of Exact Sciences
Classification: Uncertain significance for LPIN2-related condition. Last evaluated: 2024-04-04. Review status: no assertion criteria provided. Collection method: clinical testing. Allele origin: germline. Not counted in ClinVar's aggregate classification.
Comment: The LPIN2 c.517G>A variant is predicted to result in the amino acid substitution p.Ala173Thr. To our knowledge, this variant has not been reported in the literature. This variant is reported in 0.14% of alleles in individuals of African descent in gnomAD. Although we suspect that this variant may be benign, at this time, the clinical significance of this variant is uncertain due to the absence of conclusive functional and genetic evidence.

NM_001375808.2(LPIN2):c.517G>A (p.Ala173Thr)

Gene: LPIN2 (lipin 2; minus strand). Cytogenetic location: 18p11.31.
Variant type: single nucleotide variant.
Coding change: c.517G>A on transcript NM_001375808.2 (MANE Select); coding-DNA position 517, G replaced by A.
Protein change: p.Ala173Thr; replaces alanine 173 with threonine.
Molecular consequence: missense variant.
Genome position (GRCh38, 1-based): chr18:2,951,128, C>T on the plus strand (G>A on the coding strand, the complement: LPIN2 is on the minus strand). VCF-style: chr18-2951128-C-T. GRCh37 (hg19) VCF-style: chr18-2951126-C-T.
Other names: c.517G>A, p.Ala173Thr (NM_001375809.1, NM_014646.2); short protein forms A173T.
Identifiers: ClinVar variation 536355 (VCV000536355.25), dbSNP rs140609636, ClinGen allele CA8873539.